The following is an entry in ClinVar:

ClinVar aggregate classification (germline): Uncertain significance (1 of 4 stars; one submission).

gnomAD v4.1: 6 of 1,610,852 alleles (0.00037%); highest among the groups gnomAD compares: Non-Finnish European, 0.00051%; no homozygotes.

Submission:

Labcorp Genetics (formerly Invitae), Labcorp
Classification: Uncertain significance. Last evaluated: 2024-08-30. Review status: criteria provided, single submitter. Criteria: Invitae Variant Classification Sherloc (09022015). Collection method: clinical testing. Allele origin: germline.
Comment: This sequence change replaces alanine, which is neutral and non-polar, with proline, which is neutral and non-polar, at codon 64 of the PNPLA8 protein (p.Ala64Pro). This variant is present in population databases (no rsID available, gnomAD 0.002%). This variant has not been reported in the literature in individuals affected with PNPLA8-related conditions. An algorithm developed to predict the effect of missense changes on protein structure and function (PolyPhen-2) suggests that this variant is likely to be disruptive. In summary, the available evidence is currently insufficient to determine the role of this variant in disease. Therefore, it has been classified as a Variant of Uncertain Significance.

NM_001256007.3(PNPLA8):c.190G>C (p.Ala64Pro)

Gene: PNPLA8 (patatin like domain 8, phospholipase A2; minus strand). Cytogenetic location: 7q31.1.
Variant type: single nucleotide variant.
Coding change: c.190G>C on transcript NM_001256007.3 (MANE Select); coding-DNA position 190, G replaced by C.
Protein change: p.Ala64Pro; replaces alanine 64 with proline.
Molecular consequence: missense variant. On other transcripts: 5 prime UTR variant (2).
Genome position (GRCh38, 1-based): chr7:108,515,302, C>G on the plus strand (G>C on the coding strand, the complement: PNPLA8 is on the minus strand). VCF-style: chr7-108515302-C-G. GRCh37 (hg19) VCF-style: chr7-108155746-C-G.
Other names: c.190G>C, p.Ala64Pro (NM_001256008.3, NM_001256009.3, NM_015723.5); c.-111G>C (NM_001256010.3, NM_001256011.3); short protein forms A64P.
Identifiers: ClinVar variation 3609268 (VCV003609268.2).